The following is an entry in ClinVar:

ClinVar aggregate classification (germline): Uncertain significance (1 of 4 stars; one submission).

Conditions:
Long QT syndrome (LQTS). Identifiers: MedGen C0023976, MeSH D008133, MONDO:0002442. Disease mechanism: loss of function. Inheritance: Various modes of inheritance.

Submission:

Labcorp Genetics (formerly Invitae), Labcorp
Classification: Uncertain significance for Long QT syndrome. Last evaluated: 2022-10-03. Review status: criteria provided, single submitter. Criteria: Invitae Variant Classification Sherloc (09022015). Collection method: clinical testing. Allele origin: germline.
Comment: In summary, the available evidence is currently insufficient to determine the role of this variant in disease. Therefore, it has been classified as a Variant of Uncertain Significance. Algorithms developed to predict the effect of missense changes on protein structure and function are either unavailable or do not agree on the potential impact of this missense change (SIFT: "Deleterious"; PolyPhen-2: "Possibly Damaging"; Align-GVGD: "Class C0"). ClinVar contains an entry for this variant (Variation ID: 970784). This variant has not been reported in the literature in individuals affected with AKAP9-related conditions. This variant is not present in population databases (gnomAD no frequency). This sequence change replaces lysine, which is basic and polar, with asparagine, which is neutral and polar, at codon 2827 of the AKAP9 protein (p.Lys2827Asn).

NM_005751.5(AKAP9):c.8481A>C (p.Lys2827Asn)

Gene: AKAP9 (A-kinase anchoring protein 9; plus strand). Cytogenetic location: 7q21.2.
Variant type: single nucleotide variant.
Coding change: c.8481A>C on transcript NM_005751.5 (MANE Select); coding-DNA position 8481, A replaced by C.
Protein change: p.Lys2827Asn; replaces lysine 2827 with asparagine.
Molecular consequence: missense variant.
Genome position (GRCh38, 1-based): chr7:92,083,490, A>C. VCF-style: chr7-92083490-A-C. GRCh37 (hg19) VCF-style: chr7-91712804-A-C.
Other names: c.3126A>C, p.Lys1042Asn (NM_001379277.1); c.8457A>C, p.Lys2819Asn (NM_147185.3); short protein forms K1042N, K2819N, K2827N.
Identifiers: ClinVar variation 970784 (VCV000970784.10), dbSNP rs1813960301, ClinGen allele CA368139247.
Genomic context (GRCh38, chr7:92,083,490, plus strand): 5'-TTTACAGAGTGAATGTTCCTCAGAAGAAGTTACTGAAATAATCAGTCAGTTTACTGAAAA[A>C]ATTGAGAAGATGCAAGAACTACATGCTGCTGAAATTTTGGACATGGAATCCAGACATATT-3'
Protein context (NP_005742.4, residues 2817-2837): VTEIISQFTE[Lys2827Asn]IEKMQELHAA